The following is an entry in ClinVar:

ClinVar aggregate classification (germline): Pathogenic (1 of 4 stars; one submission).

Conditions:
Nemaline myopathy 2 (NEM2). Also called: Nemaline myopathy 2, autosomal recessive. Identifiers: MedGen C1850569, MONDO:0009725, OMIM 256030.

Submission:

Labcorp Genetics (formerly Invitae), Labcorp
Classification: Pathogenic for Nemaline myopathy 2. Last evaluated: 2022-08-25. Review status: criteria provided, single submitter. Criteria: Invitae Variant Classification Sherloc (09022015). Collection method: clinical testing. Allele origin: germline.
Comment: For these reasons, this variant has been classified as Pathogenic. This variant disrupts a region of the NEB protein in which other variant(s) (p.Ser6366Ile) have been determined to be pathogenic (PMID: 15336686, 16917880, 17525139, 25110572). This suggests that this is a clinically significant region of the protein, and that variants that disrupt it are likely to be disease-causing. This variant has not been reported in the literature in individuals affected with NEB-related conditions. This variant is a gross deletion of the genomic region encompassing exon(s) 106-129 of the NEB gene. This variant would be expected to be in-frame, preserving the integrity of the reading frame.

Literature cited by the submitters: PubMed 15336686; PubMed 16917880; PubMed 17525139; PubMed 25110572.

NC_000002.11:g.(?_152408232)_(152432888_?)del

Gene: NEB (nebulin; minus strand). Cytogenetic location: 2q23.3.
Variant type: Deletion.
Identifiers: ClinVar variation 2424065 (VCV002424065.4).